The following is an entry in ClinVar:

NM_001256789.3(CACNA1F):c.5608C>G (p.Pro1870Ala)

Gene: CACNA1F (calcium voltage-gated channel subunit alpha1 F; minus strand). Cytogenetic location: Xp11.23.
Variant type: single nucleotide variant.
Coding change: c.5608C>G on transcript NM_001256789.3 (MANE Select); coding-DNA position 5608, C replaced by G.
Protein change: p.Pro1870Ala; replaces proline 1870 with alanine.
Molecular consequence: missense variant.
Genome position (GRCh38, 1-based): chrX:49,205,678, G>C on the plus strand (C>G on the coding strand, the complement: CACNA1F is on the minus strand). VCF-style: chrX-49205678-G-C. GRCh37 (hg19) VCF-style: chrX-49062138-G-C.
Other names: c.5446C>G, p.Pro1816Ala (NM_001256790.3); c.5641C>G, p.Pro1881Ala (NM_005183.4); short protein forms P1816A, P1870A, P1881A.
Identifiers: ClinVar variation 1403035 (VCV001403035.9), dbSNP rs782033301, ClinGen allele CA10409939.

ClinVar aggregate classification (germline): Uncertain significance (1 of 4 stars; one submission).

Allele frequency attached by ClinVar (database versions not stated): gnomAD exomes 0.00001 and 0.00002; TOPMed 0.00002; gnomAD 0.00004.
gnomAD v4.1: 25 of 1,203,435 alleles (0.0021%); highest among the groups gnomAD compares: Admixed American, 0.0044%; no homozygotes.

Submission:

Labcorp Genetics (formerly Invitae), Labcorp
Classification: Uncertain significance. Last evaluated: 2024-06-23. Review status: criteria provided, single submitter. Criteria: Invitae Variant Classification Sherloc (09022015). Collection method: clinical testing. Allele origin: germline.
Comment: This sequence change replaces proline, which is neutral and non-polar, with alanine, which is neutral and non-polar, at codon 1881 of the CACNA1F protein (p.Pro1881Ala). This variant is present in population databases (rs782033301, gnomAD 0.004%). This missense change has been observed in individual(s) with congenital stationary night blindness (PMID: 30825406). ClinVar contains an entry for this variant (Variation ID: 1403035). An algorithm developed to predict the effect of missense changes on protein structure and function (PolyPhen-2) suggests that this variant is likely to be tolerated. In summary, the available evidence is currently insufficient to determine the role of this variant in disease. Therefore, it has been classified as a Variant of Uncertain Significance.

Literature cited by the submitters: PubMed 30825406.